The following is an entry in ClinVar:

ClinVar aggregate classification (germline): Conflicting classifications of pathogenicity. Review status: criteria provided, conflicting classifications (1 of 4 stars). 8 submissions from 8 submitters: Uncertain significance (6); Likely benign (2). Last evaluated 2026-02-24.

Conditions:
Cardiovascular phenotype. Identifiers: MedGen CN230736.
TTN-related disorder. Also called: TTN-related condition; TTN-related disease; TTN-related disorders.
Dilated cardiomyopathy 1G (CMD1G). Identifiers: Orphanet 154, MedGen C1858763, MONDO:0011400, OMIM 604145.
Autosomal recessive limb-girdle muscular dystrophy type 2J (LGMDR10). Also called: Limb-girdle muscular dystrophy, type 2J; MUSCULAR DYSTROPHY, LIMB-GIRDLE, AUTOSOMAL RECESSIVE 10. Identifiers: Orphanet 140922, MedGen C1837342, MONDO:0012127, OMIM 608807.
Cardiomyopathy (CMYO). Also called: Cardiomyopathies. Identifiers: Orphanet 167848, MedGen C0878544, MONDO:0004994, HP:0001638. Inheritance: Various modes of inheritance.

Allele frequency attached by ClinVar (database versions not stated): gnomAD 0.00006; gnomAD exomes 0.00006 and 0.00017; ExAC 0.00008; TOPMed 0.00009.
gnomAD v4.1: 255 of 1,612,978 alleles (0.016%); highest among the groups gnomAD compares: Non-Finnish European, 0.021%; 1 homozygote.

Submissions (8):

PreventionGenetics, part of Exact Sciences
Classification: Uncertain significance for TTN-related condition. Last evaluated: 2026-02-24. Review status: criteria provided, single submitter. Criteria: ACMG Guidelines, 2015. Collection method: clinical testing. Allele origin: germline.
Comment: The TTN c.12821G>A variant is predicted to result in the amino acid substitution p.Ser4274Asn. To our knowledge, this variant has not been reported in the literature. This variant is reported in 0.014% of alleles in individuals of European (Non-Finnish) descent in gnomAD. Although we suspect that this variant may be benign, at this time, the clinical significance of this variant is uncertain due to the absence of conclusive functional and genetic evidence.

Athena Diagnostics
Classification: Uncertain significance. Last evaluated: 2023-07-14. Review status: criteria provided, single submitter. Criteria: Athena Diagnostics Criteria. Collection method: clinical testing. Allele origin: unknown.
Comment: Available data are insufficient to determine the clinical significance of the variant at this time. The frequency of this variant in the general population is higher than would generally be expected for pathogenic variants in this gene. This variant is in a coding region of the longest isoform of TTN, inferred model NM_001267550.1, and in the cardiac muscle isoform (NM_001256850.1); however, it is in a non-coding region of the main skeletal isoform (NM_133378.4). Computational tools predict that this variant is not damaging.

CHEO Genetics Diagnostic Laboratory, Children's Hospital of Eastern Ontario
Classification: Likely benign for Cardiomyopathy. Last evaluated: 2023-05-16. Review status: criteria provided, single submitter. Criteria: ACMG Guidelines, 2015. Collection method: clinical testing. Allele origin: germline.

GeneDx
Classification: Likely benign. Last evaluated: 2019-12-18. Review status: criteria provided, single submitter. Criteria: GeneDx Variant Classification Process June 2021. Collection method: clinical testing. Allele origin: germline. Affected: yes.

Ambry Genetics
Classification: Uncertain significance for Cardiovascular phenotype. Last evaluated: 2019-12-16. Review status: criteria provided, single submitter. Criteria: Ambry Variant Classification Scheme 2023. Collection method: clinical testing. Allele origin: germline.
Comment: The p.S3911N variant (also known as c.11732G>A), located in coding exon 44 of the TTN gene, results from a G to A substitution at nucleotide position 11732. The serine at codon 3911 is replaced by asparagine, an amino acid with highly similar properties. This alteration (described as NM_133378.4:c.10361-2052G>A) has been reported as a secondary cardiac variant in an exome cohort (Ng D et al. Circ Cardiovasc Genet, 2013 Aug;6:337-46). This amino acid position is not well conserved in available vertebrate species, and asparagine is the reference amino acid in other vertebrate species. In addition, this alteration is predicted to be tolerated by in silico analysis. Since supporting evidence is limited at this time, the clinical significance of this alteration remains unclear.

Labcorp Genetics (formerly Invitae), Labcorp
Classification: Uncertain significance for Dilated cardiomyopathy 1G; Autosomal recessive limb-girdle muscular dystrophy type 2J. Last evaluated: 2017-08-14. Review status: criteria provided, single submitter. Criteria: Invitae Variant Classification Sherloc (09022015). Collection method: clinical testing. Allele origin: germline.

Laboratory for Molecular Medicine, Mass General Brigham Personalized Medicine
Classification: Uncertain significance. Last evaluated: 2015-08-21. Review status: criteria provided, single submitter. Criteria: LMM Criteria. Collection method: clinical testing. Allele origin: germline. Observed: 2 variant alleles.
Comment: I t has also been identified in 9/66308 European chromosomes by the Exome Aggregat ion Consortium (ExAC; dbSNP rs200348414). Comput ational prediction tools and conservation analysis are limited or unavailable fo r this variant. In summary, the clinical significance of the p.Ser4036Asn varian t is uncertain.

Biesecker Lab/Clinical Genomics Section, National Institutes of Health
Classification: Uncertain significance. Last evaluated: 2013-06-24. Review status: criteria provided, single submitter. Criteria: Ng et al. (Circ Cardiovasc Genet. 2013). Collection method: research. Allele origin: unknown. Observed: 1 variant allele. Study: ClinSeq.
Comment: The study set was not selected for affection status in relation to any cancer. Pathogenicity categories were based on literature curation. See Pubmed ID:23861362 for details.

Medical sequencing

Literature cited by the submitters: PubMed 23861362 (cited by 3 submitters).

NM_001267550.2(TTN):c.12821G>A (p.Ser4274Asn)

Gene: TTN (titin; minus strand). Cytogenetic location: 2q31.2.
Variant type: single nucleotide variant.
Coding change: c.12821G>A on transcript NM_001267550.2 (MANE Select); coding-DNA position 12821, G replaced by A.
Protein change: p.Ser4274Asn; replaces serine 4274 with asparagine.
Molecular consequence: missense variant. On other transcripts: intron variant (1).
Genome position (GRCh38, 1-based): chr2:178,740,412, C>T on the plus strand (G>A on the coding strand, the complement: TTN is on the minus strand). VCF-style: chr2-178740412-C-T. GRCh37 (hg19) VCF-style: chr2-179605139-C-T.
Other names: c.12821G>A (NM_001267550.1); c.11732G>A, p.Ser3911Asn (NM_003319.4); c.12107G>A, p.Ser4036Asn (NM_133432.3); c.11870G>A, p.Ser3957Asn (NM_001256850.1); c.12308G>A, p.Ser4103Asn (NM_133437.4); c.10361-2052G>A (NM_133378.4); short protein forms S4274N, S4036N, S3911N, S3957N, S4103N.
Identifiers: ClinVar variation 192036 (VCV000192036.17), dbSNP rs200348414, ClinGen allele CA238157.